The following is an entry in ClinVar:

NM_014991.6(WDFY3):c.8593C>G (p.Leu2865Val)

Gene: WDFY3 (WD repeat and FYVE domain containing 3; minus strand). Cytogenetic location: 4q21.23.
Variant type: single nucleotide variant.
Coding change: c.8593C>G on transcript NM_014991.6 (MANE Select); coding-DNA position 8593, C replaced by G.
Protein change: p.Leu2865Val; replaces leucine 2865 with valine.
Molecular consequence: missense variant.
Genome position (GRCh38, 1-based): chr4:84,702,356, G>C on the plus strand (C>G on the coding strand, the complement: WDFY3 is on the minus strand). VCF-style: chr4-84702356-G-C. GRCh37 (hg19) VCF-style: chr4-85623509-G-C.
Other names: short protein forms L2865V.
Identifiers: ClinVar variation 4755624 (VCV004755624.1).
Genomic context (GRCh38, chr4:84,702,356, plus strand): 5'-TTTCTATTGGACTTTTCCTGGCTAACATTCCTAAGACAGTGCCATAGCTCTACGTACCTA[G>C]ATCAAAGTTGTTGGAATTGAACAGGAATTCTGGTAAATAAAAGAACTCTGGGATAAGTTC-3'
Protein context (NP_055806.2, residues 2855-2875): EFLFNSNNFD[Leu2865Val]GCKQNGTKLG

ClinVar aggregate classification (germline): Uncertain significance (1 of 4 stars; one submission).

Submission:

GeneDx
Classification: Uncertain significance. Last evaluated: 2025-08-06. Review status: criteria provided, single submitter. Criteria: GeneDx Variant Classification Process June 2021. Collection method: clinical testing. Allele origin: germline. Affected: yes.
Comment: Not observed at significant frequency in large population cohorts (gnomAD); In silico analysis supports that this missense variant has a deleterious effect on protein structure/function; In silico analysis supports a deleterious effect on splicing; Has not been previously published as pathogenic or benign to our knowledge